The following is an entry in ClinVar:

NM_001242896.3(DEPDC5):c.2122C>G (p.Gln708Glu)

Gene: DEPDC5 (DEP domain containing 5, GATOR1 subcomplex subunit; plus strand). Cytogenetic location: 22q12.3.
Variant type: single nucleotide variant.
Coding change: c.2122C>G on transcript NM_001242896.3 (MANE Select); coding-DNA position 2122, C replaced by G.
Protein change: p.Gln708Glu; replaces glutamine 708 with glutamic acid.
Molecular consequence: missense variant. On other transcripts: non-coding transcript variant (5).
Genome position (GRCh38, 1-based): chr22:31,833,932, C>G. VCF-style: chr22-31833932-C-G. GRCh37 (hg19) VCF-style: chr22-32229918-C-G.
Other names: c.2122C>G, p.Gln708Glu (NM_001136029.4, NM_001363852.2, NM_001364318.2 and 3 more transcripts); c.1888C>G, p.Gln630Glu (NM_001242897.2, NM_001363854.2, NM_001364319.2); c.2038C>G, p.Gln680Glu (NM_001369901.1, NM_001369902.1); short protein forms Q630E, Q680E, Q708E.
Identifiers: ClinVar variation 1493289 (VCV001493289.6), dbSNP rs2148924357, ClinGen allele CA411284262.

ClinVar aggregate classification (germline): Uncertain significance (1 of 4 stars; one submission).

Conditions:
Familial focal epilepsy with variable foci (FPEVF). Identifiers: Orphanet 98820, MedGen C1858477, MONDO:0020310.

Submission:

Labcorp Genetics (formerly Invitae), Labcorp
Classification: Uncertain significance for Familial focal epilepsy with variable foci. Last evaluated: 2022-07-12. Review status: criteria provided, single submitter. Criteria: Invitae Variant Classification Sherloc (09022015). Collection method: clinical testing. Allele origin: germline.
Comment: ClinVar contains an entry for this variant (Variation ID: 1493289). This sequence change replaces glutamine, which is neutral and polar, with glutamic acid, which is acidic and polar, at codon 708 of the DEPDC5 protein (p.Gln708Glu). This variant is not present in population databases (gnomAD no frequency). This variant has not been reported in the literature in individuals affected with DEPDC5-related conditions. Algorithms developed to predict the effect of missense changes on protein structure and function are either unavailable or do not agree on the potential impact of this missense change (SIFT: "Tolerated"; PolyPhen-2: "Not Available"; Align-GVGD: "Class C0"). In summary, the available evidence is currently insufficient to determine the role of this variant in disease. Therefore, it has been classified as a Variant of Uncertain Significance.